The following is an entry in ClinVar:

ClinVar aggregate classification (germline): Likely pathogenic (1 of 4 stars; one submission).

Conditions:
Menkes kinky-hair syndrome (MNK). Also called: Copper transport disease; Classic Menkes Disease; Menkes Disease. Identifiers: Orphanet 565, MedGen C0022716, MONDO:0010651, OMIM 309400.

Submission:

Myriad Genetics, Inc.
Classification: Likely pathogenic for Menkes kinky-hair syndrome. Last evaluated: 2022-02-06. Review status: criteria provided, single submitter. Criteria: Myriad Autosomal Dominant, Autosomal Recessive and X-Linked Classification Criteria (2023). Collection method: clinical testing. Allele origin: unknown.
Comment: NM_000052.5(ATP7A):c.1697delT(L566Wfs*5) is expected to be pathogenic in the context of ATP7A-related disorders. This variant is predicted to lead to an abnormal or absent protein product due to the creation of a premature termination codon in ATP7A, a gene where loss-of-function variants are known to be pathogenic. Please note: this variant was assessed in the context of healthy population screening.

NM_000052.7(ATP7A):c.1697del (p.Leu566fs)

Gene: ATP7A (ATPase copper transporting alpha; plus strand). Cytogenetic location: Xq21.1.
Variant type: Deletion.
Coding change: c.1697del on transcript NM_000052.7 (MANE Select); coding-DNA position 1697, one base deleted (T; older notation c.1697delT).
Protein change: p.Leu566fs; shifts the reading frame from leucine 566.
Molecular consequence: frameshift variant.
Genome position (GRCh38, 1-based): chrX:78,003,226, T deleted; the last of 4 consecutive T bases (chrX:78,003,223-78,003,226); deleting any one gives the same sequence. VCF-style (leftmost placement, unchanged base first): chrX-78003222-GT-G. GRCh37 (hg19) VCF-style: chrX-77258719-GT-G.
Other names: c.1697del, p.Leu566fs (NM_001282224.2); short protein forms L566fs.
Identifiers: ClinVar variation 1724336 (VCV001724336.3), dbSNP rs2522325861, ClinGen allele CA2580101446.